The following is an entry in ClinVar:

ClinVar aggregate classification (germline): Conflicting classifications of pathogenicity. Review status: criteria provided, conflicting classifications (1 of 4 stars). 5 submissions from 5 submitters: Likely pathogenic (3); Uncertain significance (1). 1 of the submissions does not count toward it. Last evaluated 2025-09-04.

Conditions:
Autosomal recessive Alport syndrome (ATS2). Also called: COL4A4 Alport Syndrome and Thin Basement Membrane Nephropathy; COL4A3-Related Nephropathy; Alport syndrome type 2; ALPORT SYNDROME 2, AUTOSOMAL RECESSIVE. Identifiers: Orphanet 63, Orphanet 88919, MedGen C4746745, MONDO:0008762, OMIM 203780.
Hematuria, benign familial, 1 (BFH1). Also called: THIN MEMBRANE NEPHROPATHY. Identifiers: MedGen CN376803, MONDO:0007709, OMIM 141200.
COL4A4-related disorder.
Alport syndrome. Also called: Hemorrhagic familial nephritis; Hemorrhagic hereditary nephritis; Congenital hereditary hematuria. Identifiers: Orphanet 63, MedGen C1567741, MONDO:0018965.
Meniere disease. Also called: Ménière's disease. Identifiers: MedGen C0025281, MONDO:0007972, OMIM 156000.

Allele frequency attached by ClinVar (database versions not stated): gnomAD exomes below 0.00001; TOPMed below 0.00001; gnomAD 0.00001.
gnomAD v4.1: 3 of 1,613,694 alleles (0.00019%); highest among the groups gnomAD compares: Admixed American, 0.0017%; no homozygotes.

Submissions (5):

Natera, Inc.
Classification: Likely pathogenic for Alport syndrome. Last evaluated: 2025-09-04. Review status: criteria provided, single submitter. Criteria: Natera Variant Classification Schema (03/2026). Collection method: clinical testing. Allele origin: germline.
Comment: The c.3434G>A variant in COL4A4 is a missense variant predicted to cause substitution of glycine to glutamic acid at amino acid 1145. This variant is rare in the general population with a frequency below the threshold expected for the associated phenotype(s). This variant is located in a functionally critical region of the protein. Computational prediction algorithms indicate this variant is likely to affect gene or protein function. Given the available evidence, this variant is classified as Likely Pathogenic.

Blueprint Genetics
Classification: Likely pathogenic for COL4A4-related disorders. Last evaluated: 2024-05-24. Review status: criteria provided, single submitter. Criteria: ACMG Guidelines, 2015. Collection method: clinical testing. Allele origin: germline. Affected: yes. Observed: 2 variant alleles.

Fulgent Genetics
Classification: Likely pathogenic for Hematuria, benign familial, 1; Autosomal recessive Alport syndrome. Last evaluated: 2024-04-11. Review status: criteria provided, single submitter. Criteria: ACMG Guidelines, 2015. Collection method: clinical testing. Allele origin: germline.

Labcorp Genetics (formerly Invitae), Labcorp
Classification: Uncertain significance. Last evaluated: 2020-03-17. Review status: criteria provided, single submitter. Criteria: Invitae Variant Classification Sherloc (09022015). Collection method: clinical testing. Allele origin: germline.
Comment: In summary, the available evidence is currently insufficient to determine the role of this variant in disease. Therefore, it has been classified as a Variant of Uncertain Significance. Experimental studies and prediction algorithms are not available or were not evaluated, and the functional significance of this variant is currently unknown. This variant has not been reported in the literature in individuals with COL4A4-related conditions. This variant is not present in population databases (ExAC no frequency). This sequence change replaces glycine with glutamic acid at codon 1145 of the COL4A4 protein (p.Gly1145Glu). The glycine residue is highly conserved and there is a moderate physicochemical difference between glycine and glutamic acid.

Center for Computational Biology & Bioinformatics, University of California, San Diego
Classification: Uncertain significance for Meniere disease. Last evaluated: 2024-06-03. Review status: no assertion criteria provided. Collection method: research. Allele origin: germline. Affected: yes. Not counted in ClinVar's aggregate classification.

NM_000092.5(COL4A4):c.3434G>A (p.Gly1145Glu)

Gene: COL4A4 (collagen type IV alpha 4 chain; minus strand). Cytogenetic location: 2q36.3.
Variant type: single nucleotide variant.
Coding change: c.3434G>A on transcript NM_000092.5 (MANE Select); coding-DNA position 3434, G replaced by A.
Protein change: p.Gly1145Glu; replaces glycine 1145 with glutamic acid.
Molecular consequence: missense variant.
Genome position (GRCh38, 1-based): chr2:227,042,219, C>T on the plus strand (G>A on the coding strand, the complement: COL4A4 is on the minus strand). VCF-style: chr2-227042219-C-T. GRCh37 (hg19) VCF-style: chr2-227906935-C-T.
Other names: c.3434G>A (NM_000092.4); short protein forms G1145E.
Identifiers: ClinVar variation 1040200 (VCV001040200.14), dbSNP rs1260916310, ClinGen allele CA350838295.